The following is an entry in ClinVar:

ClinVar aggregate classification (germline): Likely pathogenic (1 of 4 stars; one submission).

Conditions:
Pyruvate dehydrogenase E1-alpha deficiency (PDHAD). Also called: ATAXIA, INTERMITTENT, WITH PYRUVATE DEHYDROGENASE DEFICIENCY; ATAXIA WITH LACTIC ACIDOSIS I; ATAXIA, INTERMITTENT, WITH ABNORMAL PYRUVATE METABOLISM; Ataxia, intermittent, with pyruvate dehydrogenase, or decarboxylase, deficiency. Identifiers: Orphanet 79243, MedGen C1839413, MONDO:0010717, OMIM 312170.

Allele frequency attached by ClinVar (database versions not stated): TOPMed 0.00001.

Submission:

Centre for Mendelian Genomics, University Medical Centre Ljubljana
Classification: Likely pathogenic for Pyruvate dehydrogenase E1-alpha deficiency. Last evaluated: 2019-08-12. Review status: criteria provided, single submitter. Criteria: ACMG Guidelines, 2015. Collection method: clinical testing. Allele origin: unknown. Affected: yes.
Comment: This variant was classified as: Likely pathogenic. The following ACMG criteria were applied in classifying this variant: PVS1,PM2,BP4.

NM_000284.4(PDHA1):c.57+2531T>C

Gene: PDHA1 (pyruvate dehydrogenase E1 subunit alpha 1; plus strand). Cytogenetic location: Xp22.12.
Variant type: single nucleotide variant.
Coding change: c.57+2531T>C on transcript NM_000284.4 (MANE Select); 2531 bases into the intron after coding-DNA position 57, T replaced by C.
Molecular consequence: intron variant. On other transcripts: splice donor variant (1).
Genome position (GRCh38, 1-based): chrX:19,346,625, T>C. VCF-style: chrX-19346625-T-C. GRCh37 (hg19) VCF-style: chrX-19364743-T-C.
Other names: c.171+2T>C (NM_001173454.2); c.57+2531T>C (NM_001173455.2, NM_001173456.2).
Identifiers: ClinVar variation 931659 (VCV000931659.3), dbSNP rs2063135938, ClinGen allele CA412388079.
Genomic context (GRCh38, chrX:19,346,625, plus strand): 5'-CCTCCCACCTCGGCCTCCCAAAGTGCTGGGATTACTCTCACTCTCTTAAAACCAGGCAGG[T>C]AGGGAGATTTATCTCAGGCTTAAAGATTGCCATTGTCTCATCAAAGAGTGTTTGGTGTGA-3'